The following is an entry in ClinVar:

ClinVar aggregate classification (germline): Uncertain significance (1 of 4 stars; one submission).

Conditions:
PHGDH deficiency. Identifiers: Orphanet 79351, MedGen C1866174, MONDO:0011152, OMIM 601815.

Submission:

Labcorp Genetics (formerly Invitae), Labcorp
Classification: Uncertain significance for PHGDH deficiency. Last evaluated: 2023-08-04. Review status: criteria provided, single submitter. Criteria: Invitae Variant Classification Sherloc (09022015). Collection method: clinical testing. Allele origin: germline.
Comment: This sequence change replaces histidine, which is basic and polar, with arginine, which is basic and polar, at codon 275 of the PHGDH protein (p.His275Arg). This variant is not present in population databases (gnomAD no frequency). This variant has not been reported in the literature in individuals affected with PHGDH-related conditions. ClinVar contains an entry for this variant (Variation ID: 2072645). Advanced modeling of protein sequence and biophysical properties (such as structural, functional, and spatial information, amino acid conservation, physicochemical variation, residue mobility, and thermodynamic stability) performed at Invitae indicates that this missense variant is not expected to disrupt PHGDH protein function. In summary, the available evidence is currently insufficient to determine the role of this variant in disease. Therefore, it has been classified as a Variant of Uncertain Significance.

NM_006623.4(PHGDH):c.824A>G (p.His275Arg)

Gene: PHGDH (phosphoglycerate dehydrogenase; plus strand). Cytogenetic location: 1p12.
Variant type: single nucleotide variant.
Coding change: c.824A>G on transcript NM_006623.4 (MANE Select); coding-DNA position 824, A replaced by G.
Protein change: p.His275Arg; replaces histidine 275 with arginine.
Molecular consequence: missense variant.
Genome position (GRCh38, 1-based): chr1:119,737,145, A>G. VCF-style: chr1-119737145-A-G. GRCh37 (hg19) VCF-style: chr1-120279768-A-G.
Other names: short protein forms H275R.
Identifiers: ClinVar variation 2072645 (VCV002072645.4), dbSNP rs2101204599, ClinGen allele CA341851135.